The following is an entry in ClinVar:

ClinVar aggregate classification (germline): Conflicting classifications of pathogenicity. Review status: criteria provided, conflicting classifications (1 of 4 stars). 3 submissions from 3 submitters: Uncertain significance (2); Likely benign (1). Last evaluated 2024-10-03.

Allele frequency attached by ClinVar (database versions not stated): gnomAD exomes 0.00006 and 0.00008; TOPMed 0.00010; gnomAD 0.00013 and 0.00014; ExAC 0.00014.
gnomAD v4.1: 137 of 1,542,684 alleles (0.0089%); highest among the groups gnomAD compares: Non-Finnish European, 0.011%; no homozygotes.

Submissions (3):

Blueprint Genetics
Classification: Likely benign. Last evaluated: 2024-10-03. Review status: criteria provided, single submitter. Criteria: ACMG Guidelines, 2015. Collection method: clinical testing. Allele origin: germline.

Labcorp Genetics (formerly Invitae), Labcorp
Classification: Uncertain significance. Last evaluated: 2022-08-09. Review status: criteria provided, single submitter. Criteria: Invitae Variant Classification Sherloc (09022015). Collection method: clinical testing. Allele origin: germline.
Comment: This sequence change falls in intron 2 of the SLC25A1 gene. It does not directly change the encoded amino acid sequence of the SLC25A1 protein. It affects a nucleotide within the consensus splice site. This variant is present in population databases (rs782189539, gnomAD 0.02%). This variant has not been reported in the literature in individuals affected with SLC25A1-related conditions. ClinVar contains an entry for this variant (Variation ID: 1336186). Variants that disrupt the consensus splice site are a relatively common cause of aberrant splicing (PMID: 17576681, 9536098). Algorithms developed to predict the effect of sequence changes on RNA splicing suggest that this variant may disrupt the consensus splice site. In summary, the available evidence is currently insufficient to determine the role of this variant in disease. Therefore, it has been classified as a Variant of Uncertain Significance.

Genetic Services Laboratory, University of Chicago
Classification: Uncertain significance. Last evaluated: 2017-08-25. Review status: criteria provided, single submitter. Criteria: ACMG Guidelines, 2015. Collection method: clinical testing. Allele origin: germline. Affected: no.

Literature cited by the submitters: PubMed 17576681 (cited by Labcorp Genetics (formerly Invitae), Labcorp); PubMed 9536098 (cited by Labcorp Genetics (formerly Invitae), Labcorp).

NM_005984.5(SLC25A1):c.202+3G>A

Gene: SLC25A1 (solute carrier family 25 member 1; minus strand). Cytogenetic location: 22q11.21.
Variant type: single nucleotide variant.
Coding change: c.202+3G>A on transcript NM_005984.5 (MANE Select); 3 bases into the intron after coding-DNA position 202, G replaced by A.
Molecular consequence: intron variant.
Genome position (GRCh38, 1-based): chr22:19,178,130, C>T on the plus strand (G>A on the coding strand, the complement: SLC25A1 is on the minus strand). VCF-style: chr22-19178130-C-T. GRCh37 (hg19) VCF-style: chr22-19165643-C-T.
Other names: c.-108+3G>A (NM_001287387.2); c.223+3G>A (NM_001256534.2).
Identifiers: ClinVar variation 1336186 (VCV001336186.7), dbSNP rs782189539, ClinGen allele CA10097520.